The following is an entry in ClinVar:

ClinVar aggregate classification (germline): Uncertain significance. Review status: criteria provided, multiple submitters, no conflicts (2 of 4 stars). 2 submissions from 2 submitters: Uncertain significance (2). Last evaluated 2025-04-04.

Conditions:
Inborn genetic diseases. Identifiers: MedGen C0950123, MeSH D030342.

Allele frequency attached by ClinVar (database versions not stated): gnomAD 0.00001; gnomAD exomes below 0.00001; TOPMed below 0.00001.
gnomAD v4.1: 3 of 1,608,328 alleles (0.00019%); highest among the groups gnomAD compares: Non-Finnish European, 0.00025%; no homozygotes.

Submissions (2):

Ambry Genetics
Classification: Uncertain significance for Inborn genetic diseases. Last evaluated: 2025-04-04. Review status: criteria provided, single submitter. Criteria: Ambry Variant Classification Scheme 2023. Collection method: clinical testing. Allele origin: germline.

Labcorp Genetics (formerly Invitae), Labcorp
Classification: Uncertain significance. Last evaluated: 2021-08-27. Review status: criteria provided, single submitter. Criteria: Invitae Variant Classification Sherloc (09022015). Collection method: clinical testing. Allele origin: germline.
Comment: This sequence change replaces glutamine with histidine at codon 265 of the CEP78 protein (p.Gln265His). The glutamine residue is moderately conserved and there is a small physicochemical difference between glutamine and histidine. This variant is not present in population databases (ExAC no frequency). This variant has not been reported in the literature in individuals affected with CEP78-related conditions. Algorithms developed to predict the effect of missense changes on protein structure and function are either unavailable or do not agree on the potential impact of this missense change (SIFT: "Tolerated"; PolyPhen-2: "Probably Damaging"; Align-GVGD: "Class C0"). In summary, the available evidence is currently insufficient to determine the role of this variant in disease. Therefore, it has been classified as a Variant of Uncertain Significance.

NM_001330691.3(CEP78):c.795G>C (p.Gln265His)

Gene: CEP78 (centrosomal protein 78; plus strand). Cytogenetic location: 9q21.2.
Variant type: single nucleotide variant.
Coding change: c.795G>C on transcript NM_001330691.3 (MANE Select); coding-DNA position 795, G replaced by C.
Protein change: p.Gln265His; replaces glutamine 265 with histidine.
Molecular consequence: missense variant.
Genome position (GRCh38, 1-based): chr9:78,246,685, G>C. VCF-style: chr9-78246685-G-C. GRCh37 (hg19) VCF-style: chr9-80861601-G-C.
Other names: c.795G>C, p.Gln265His (NM_001098802.3, NM_001330693.3, NM_001330694.2 and 4 more transcripts); c.795G>C (NM_001098802.1); short protein forms Q265H.
Identifiers: ClinVar variation 1055582 (VCV001055582.7), dbSNP rs901789347, ClinGen allele CA373855595.